The following is an entry in ClinVar:

NM_018015.6(RADX):c.1293T>C (p.Asn431=)

Gene: RADX (RPA1 related single stranded DNA binding protein, X-linked; plus strand). Cytogenetic location: Xq22.3.
Variant type: single nucleotide variant.
Coding change: c.1293T>C on transcript NM_018015.6 (MANE Select); coding-DNA position 1293, T replaced by C.
Protein change: p.Asn431=; no amino-acid change (asparagine 431 retained).
Molecular consequence: synonymous variant.
Genome position (GRCh38, 1-based): chrX:106,633,242, T>C. VCF-style: chrX-106633242-T-C. GRCh37 (hg19) VCF-style: chrX-105876472-T-C.
Other names: c.1293T>C, p.Asn431= (NM_001184782.2).
Identifiers: ClinVar variation 2661133 (VCV002661133.24), dbSNP rs747030177, ClinGen allele CA10482250.

ClinVar aggregate classification (germline): Likely benign (1 of 4 stars; one submission).

Allele frequency attached by ClinVar (database versions not stated): gnomAD exomes below 0.00001; ExAC 0.00002; TOPMed 0.00002; gnomAD 0.00005; 1000 Genomes Project 30x 0.00083; 1000 Genomes Project 0.00106.
gnomAD v4.1: 8 of 1,198,319 alleles (0.00067%); highest among the groups gnomAD compares: East Asian, 0.024%; no homozygotes.

Submission:

CeGaT Center for Human Genetics Tuebingen
Classification: Likely benign. Last evaluated: 2022-03-01. Review status: criteria provided, single submitter. Criteria: CeGaT Center For Human Genetics Tuebingen Variant Classification Criteria Version 2. Collection method: clinical testing. Allele origin: germline. Affected: yes. Observed: 1 variant allele.
Comment: RADX: BP4, BP7